The following is an entry in ClinVar:

ClinVar aggregate classification (germline): Uncertain significance. Review status: criteria provided, multiple submitters, no conflicts (2 of 4 stars). 2 submissions from 2 submitters: Uncertain significance (2). Last evaluated 2024-10-22.

Conditions:
RYR1-related disorder. Also called: RYR1-related condition; RYR1-related disorders. Identifiers: MedGen CN239331.
Malignant hyperthermia, susceptibility to, 1 (MHS1). Also called: RYR1-Related Malignant Hyperthermia Susceptibility; Anesthesia related hyperthermia; Malignant hyperpyrexia; Fulminating hyperpyrexia; Pharmacogenic myopathy; Malignant hyperthermia suceptibility 1. Identifiers: Orphanet 423, MedGen C2930980, MONDO:0007783, OMIM 145600.

Allele frequency attached by ClinVar (database versions not stated): gnomAD exomes below 0.00001; ExAC 0.00001; gnomAD 0.00001; ESP Exome Variant Server 0.00008.
gnomAD v4.1: 4 of 1,613,548 alleles (0.00025%); highest among the groups gnomAD compares: African/African-American, 0.0053%; no homozygotes.

Submissions (2):

Labcorp Genetics (formerly Invitae), Labcorp
Classification: Uncertain significance for RYR1-related disorder. Last evaluated: 2024-10-22. Review status: criteria provided, single submitter. Criteria: Invitae Variant Classification Sherloc (09022015). Collection method: clinical testing. Allele origin: germline.
Comment: This sequence change replaces aspartic acid, which is acidic and polar, with asparagine, which is neutral and polar, at codon 2861 of the RYR1 protein (p.Asp2861Asn). This variant is present in population databases (rs138647599, gnomAD 0.01%). This variant has not been reported in the literature in individuals affected with RYR1-related conditions. Invitae Evidence Modeling of protein sequence and biophysical properties (such as structural, functional, and spatial information, amino acid conservation, physicochemical variation, residue mobility, and thermodynamic stability) has been performed for this missense variant. However, the output from this modeling did not meet the statistical confidence thresholds required to predict the impact of this variant on RYR1 protein function. In summary, the available evidence is currently insufficient to determine the role of this variant in disease. Therefore, it has been classified as a Variant of Uncertain Significance.

All of Us Research Program, National Institutes of Health
Classification: Uncertain significance for Malignant hyperthermia, susceptibility to, 1. Last evaluated: 2023-12-01. Review status: criteria provided, single submitter. Criteria: ACMG Guidelines, 2015. Collection method: clinical testing. Allele origin: germline. Inheritance: Autosomal dominant inheritance. Observed: 1 variant allele, 1 heterozygote.
Comment: This study involves interpretation of variants in research participants for the purpose of population health screening. Participant phenotype was not available at the time of variant classification. Additional details can be found in publication PMID: 35346344, PMCID: PMC8962531

NM_000540.3(RYR1):c.8581G>A (p.Asp2861Asn)

Genes: RYR1 (ryanodine receptor 1; plus strand), LOC126862902 (BRD4-independent group 4 enhancer GRCh37_chr19:38995830-38997029; plus strand). Cytogenetic location: 19q13.2.
Variant type: single nucleotide variant.
Coding change: c.8581G>A on transcript NM_000540.3 (MANE Select); coding-DNA position 8581, G replaced by A.
Protein change: p.Asp2861Asn; replaces aspartic acid 2861 with asparagine.
Molecular consequence: missense variant.
Genome position (GRCh38, 1-based): chr19:38,506,342, G>A. VCF-style: chr19-38506342-G-A. GRCh37 (hg19) VCF-style: chr19-38996982-G-A.
Other names: c.8581G>A, p.Asp2861Asn (NM_001042723.2); short protein forms D2861N.
Identifiers: ClinVar variation 3069289 (VCV003069289.2), dbSNP rs138647599, ClinGen allele CA072310.